The following is an entry in ClinVar:

NM_024675.4(PALB2):c.2205A>G (p.Pro735=)

Gene: PALB2 (partner and localizer of BRCA2; minus strand). Cytogenetic location: 16p12.2.
Variant type: single nucleotide variant.
Coding change: c.2205A>G on transcript NM_024675.4 (MANE Select); coding-DNA position 2205, A replaced by G.
Protein change: p.Pro735=; no amino-acid change (proline 735 retained).
Molecular consequence: synonymous variant.
Genome position (GRCh38, 1-based): chr16:23,629,949, T>C on the plus strand (A>G on the coding strand, the complement: PALB2 is on the minus strand). VCF-style: chr16-23629949-T-C. GRCh37 (hg19) VCF-style: chr16-23641270-T-C.
Identifiers: ClinVar variation 126641 (VCV000126641.4), dbSNP rs515726082, ClinGen allele CA269523.
Genomic context (GRCh38, chr16:23,629,949, plus strand): 5'-GCAAGTTCGTCCAGCAACTTCTGTAGATGCTTTTTCATAGGAGCCTTGAGGGCCAAAGGC[T>C]GGAGTAGTACCTAAGATGGGGAAAGCAGGTGAACACATGTCTGTGGTAGGCCTGTCATTA-3'
Protein context (NP_078951.2, residues 725-745): SPAFPILGTT[Pro735=]AFGPQGSYEK

ClinVar aggregate classification (germline): Likely benign. Review status: criteria provided, single submitter (1 of 4 stars). 2 submissions from 2 submitters: Likely benign (1). 1 of the submissions does not count toward it. Last evaluated 2023-09-27.

Conditions:
Hereditary cancer-predisposing syndrome. Also called: Hereditary Cancer Syndrome; Hereditary neoplastic syndrome; Tumor predisposition; Neoplastic Syndromes, Hereditary. Identifiers: Orphanet 140162, MedGen C0027672, MeSH D009386, MONDO:0015356.
Familial cancer of breast. Also called: BREAST CANCER, FAMILIAL; hereditary breast carcinoma; Hereditary breast cancer. Identifiers: Orphanet 227535, MedGen C0346153, MONDO:0016419, OMIM 114480. Disease mechanism: loss of function.

Submissions (2):

Ambry Genetics
Classification: Likely benign for Hereditary cancer-predisposing syndrome. Last evaluated: 2023-09-27. Review status: criteria provided, single submitter. Criteria: Ambry Variant Classification Scheme 2023. Collection method: clinical testing. Allele origin: germline.

Leiden Open Variation Database
Classification: Likely benign for Familial cancer of breast. Last evaluated: 2019-05-13. Review status: no assertion criteria provided. Collection method: curation. Allele origin: germline. Affected: yes. Not counted in ClinVar's aggregate classification.
Comment: Curators: Marc Tischkowitz, Arleen D. Auerbach. Submitter to LOVD: Marc Tischkowitz.

Literature cited by the submitters: PubMed 21356067 (cited by Leiden Open Variation Database).